The following is an entry in ClinVar:

NM_194454.3(KRIT1):c.52A>G (p.Lys18Glu)

Gene: KRIT1 (KRIT1 ankyrin repeat containing; minus strand). Cytogenetic location: 7q21.2.
Variant type: single nucleotide variant.
Coding change: c.52A>G on transcript NM_194454.3 (MANE Select); coding-DNA position 52, A replaced by G.
Protein change: p.Lys18Glu; replaces lysine 18 with glutamic acid.
Molecular consequence: missense variant. On other transcripts: 5 prime UTR variant (1).
Genome position (GRCh38, 1-based): chr7:92,242,084, T>C on the plus strand (A>G on the coding strand, the complement: KRIT1 is on the minus strand). VCF-style: chr7-92242084-T-C. GRCh37 (hg19) VCF-style: chr7-91871398-T-C.
Other names: c.52A>G, p.Lys18Glu (NM_001013406.2, NM_001350669.1, NM_001350670.1 and 29 more transcripts); c.-532A>G (NM_001350671.1); short protein forms K18E.
Identifiers: ClinVar variation 3718162 (VCV003718162.2).

ClinVar aggregate classification (germline): Uncertain significance (1 of 4 stars; one submission).

Conditions:
Cerebral cavernous malformation (CCM). Also called: Cerebral cavernous malformations; Cavernous Hemangioma of Brain; CAVERNOUS ANGIOMA, FAMILIAL; CAVERNOUS ANGIOMATOUS MALFORMATIONS; CEREBRAL CAPILLARY MALFORMATIONS; Cerebral cavernous hemangioma (type). Identifiers: Orphanet 221061, MedGen C2919945, MONDO:0000820, OMIM 116860, HP:0033522.

gnomAD v4.1: 1 of 1,605,118 alleles (0.000062%); highest among the groups gnomAD compares: South Asian, 0.0011%; no homozygotes.

Submission:

Labcorp Genetics (formerly Invitae), Labcorp
Classification: Uncertain significance for Cerebral cavernous malformation. Last evaluated: 2024-04-10. Review status: criteria provided, single submitter. Criteria: Invitae Variant Classification Sherloc (09022015). Collection method: clinical testing. Allele origin: germline.
Comment: This sequence change replaces lysine, which is basic and polar, with glutamic acid, which is acidic and polar, at codon 18 of the KRIT1 protein (p.Lys18Glu). This variant is present in population databases (no rsID available, gnomAD 0.003%). This variant has not been reported in the literature in individuals affected with KRIT1-related conditions. Advanced modeling of protein sequence and biophysical properties (such as structural, functional, and spatial information, amino acid conservation, physicochemical variation, residue mobility, and thermodynamic stability) performed at Invitae indicates that this missense variant is not expected to disrupt KRIT1 protein function with a negative predictive value of 80%. In summary, the available evidence is currently insufficient to determine the role of this variant in disease. Therefore, it has been classified as a Variant of Uncertain Significance.